The following is an entry in ClinVar:

ClinVar aggregate classification (germline): Pathogenic/Likely pathogenic. Review status: criteria provided, multiple submitters, no conflicts (2 of 4 stars). 9 submissions from 9 submitters: Pathogenic (7); Likely pathogenic (2). Last evaluated 2025-11-07.

Conditions:
ASPM-related disorder. Also called: ASPM-related condition.
Microcephaly 5, primary, autosomal recessive (MCPH5). Also called: ASPM Primary Microcephaly. Identifiers: Orphanet 2512, MedGen C1837501, MONDO:0012106, OMIM 608716.

Submissions (9):

PreventionGenetics, part of Exact Sciences
Classification: Pathogenic for ASPM-related condition. Last evaluated: 2025-11-07. Review status: criteria provided, single submitter. Criteria: ACMG Guidelines, 2015. Collection method: clinical testing. Allele origin: germline.
Comment: The ASPM c.8506_8507delCA variant is predicted to result in a frameshift and premature protein termination (p.Gln2836Glufs*35). This variant has been reported in the compound heterozygous state in a fetus with microcephaly (Szalai et al. 2024. PubMed ID: 38469100). This variant is reported in 0.0080% of alleles in individuals of European (non-Finnish) descent in gnomAD. Other chain-terminating variants upstream and downstream to this variant have been documented to be disease causing (Bond et al. 2003. PubMed ID: 14574646; Létard et al. 2018. PubMed ID: 29243349). This variant is interpreted as pathogenic.

Labcorp Genetics (formerly Invitae), Labcorp
Classification: Pathogenic. Last evaluated: 2025-03-17. Review status: criteria provided, single submitter. Criteria: Invitae Variant Classification Sherloc (09022015). Collection method: clinical testing. Allele origin: germline.
Comment: This sequence change creates a premature translational stop signal (p.Gln2836Glufs*35) in the ASPM gene. It is expected to result in an absent or disrupted protein product. Loss-of-function variants in ASPM are known to be pathogenic (PMID: 19028728, 23611254). This variant is present in population databases (rs587783280, gnomAD 0.008%). This premature translational stop signal has been observed in individual(s) with ASPM-related conditions (PMID: 19028728). For these reasons, this variant has been classified as Pathogenic.

Johns Hopkins Genomics, Johns Hopkins University
Classification: Pathogenic for Microcephaly 5, primary, autosomal recessive. Last evaluated: 2023-11-15. Review status: criteria provided, single submitter. Criteria: ACMG Guidelines, 2015. Collection method: clinical testing. Allele origin: germline.
Comment: This ASPM variant (rs587783280) is rare (<0.1%) in a large population dataset (gnomAD v4.0.0: 184/1612352 total alleles; 0.01%; no homozygotes). It has been reported in ClinVar (Variation ID 157894), but has not been reported in the literature in individuals known to be affected with microcephaly and having biallelic ASPM variants, to our knowledge. This frameshift variant results in a premature stop codon in exon 18 of 28, likely leading to nonsense-mediated decay and lack of protein production. We consider c.8506_8507del in ASPM to be pathogenic.

Genome-Nilou Lab
Classification: Likely pathogenic for Microcephaly 5, primary, autosomal recessive. Last evaluated: 2023-04-11. Review status: criteria provided, single submitter. Criteria: ACMG Guidelines, 2015. Collection method: clinical testing. Allele origin: germline. Affected: no.

CeGaT Center for Human Genetics Tuebingen
Classification: Pathogenic. Last evaluated: 2022-03-01. Review status: criteria provided, single submitter. Criteria: CeGaT Center For Human Genetics Tuebingen Variant Classification Criteria Version 2. Collection method: clinical testing. Allele origin: germline. Affected: yes. Observed: 1 variant allele.
Comment: ASPM: PVS1, PM2

Revvity Omics, Revvity
Classification: Likely pathogenic for Microcephaly 5, primary, autosomal recessive. Last evaluated: 2021-08-13. Review status: criteria provided, single submitter. Criteria: ACMG Guidelines, 2015. Collection method: clinical testing. Allele origin: germline.

Victorian Clinical Genetics Services, Murdoch Childrens Research Institute
Classification: Pathogenic for Microcephaly 5, primary, autosomal recessive. Last evaluated: 2021-05-06. Review status: criteria provided, single submitter. Criteria: ACMG Guidelines, 2015. Collection method: clinical testing. Allele origin: germline. Inheritance: Autosomal recessive inheritance. Affected: yes.
Comment: Based on the classification scheme VCGS_Germline_v1.3.4, this variant is classified as Pathogenic. Following criteria are met: 0102 - Loss of function is a known mechanism of disease in this gene and is associated with primary microcephaly 5 (MIM#608716). (I) 0106 - This gene is associated with autosomal recessive disease. (I) 0201 - Variant is predicted to cause nonsense-mediated decay (NMD) and loss of protein (premature termination codon is located at least 54 nucleotides upstream of the final exon-exon junction). (SP) 0251 - This variant is heterozygous. (I) 0304 - Variant is present in gnomAD (v2) <0.01 for a recessive condition (9 heterozygotes, 0 homozygotes). (SP) 0701 - Other NMD-predicted variants comparable to the one identified in this case have very strong previous evidence for pathogenicity. Variants predicted to result in NMD are well reported as pathogenic in this gene (ClinVar, PMID: 29243349). (SP) 0802 - This variant has moderate previous evidence of pathogenicity in unrelated individuals. This variant has been reported in affected individuals in ClinVar and the literature (PMID: 19028728). (SP) 1208 - Inheritance information for this variant is not currently available in this individual. (I) Legend: (SP) - Supporting pathogenic, (I) - Information, (SB) - Supporting benign

GeneDx
Classification: Pathogenic. Last evaluated: 2019-03-26. Review status: criteria provided, single submitter. Criteria: GeneDx Variant Classification Process June 2021. Collection method: clinical testing. Allele origin: germline. Affected: yes.
Comment: Frameshift variant predicted to result in protein truncation or nonsense mediated decay in a gene for which loss-of-function is a known mechanism of disease; Not observed at a significant frequency in large population cohorts (Lek et al., 2016); Has not been previously published as pathogenic or benign to our knowledge; This variant is associated with the following publications: (PMID: 31980526)

Genetic Services Laboratory, University of Chicago
Classification: Pathogenic for Microcephaly 5, primary, autosomal recessive. Last evaluated: 2013-11-12. Review status: criteria provided, single submitter. Criteria: ACMG Guidelines, 2007. Collection method: clinical testing. Allele origin: germline. Inheritance: Autosomal recessive inheritance. Affected: yes.

Literature cited by the submitters: PubMed 19028728 (cited by 3 submitters); PubMed 23611254 (cited by Labcorp Genetics (formerly Invitae), Labcorp); PubMed 31589614 (cited by Johns Hopkins Genomics, Johns Hopkins University); PubMed 31980526 (cited by Johns Hopkins Genomics, Johns Hopkins University); PubMed 29243349 (cited by Victorian Clinical Genetics Services, Murdoch Childrens Research Institute).

NM_018136.5(ASPM):c.8506_8507del (p.Gln2836fs)

Gene: ASPM (assembly factor for spindle microtubules; minus strand). Cytogenetic location: 1q31.3.
Variant type: Microsatellite.
Coding change: c.8506_8507del on transcript NM_018136.5 (MANE Select); coding-DNA positions 8506 to 8507, 2 bases deleted (CA; older notation c.8506_8507delCA).
Protein change: p.Gln2836fs; shifts the reading frame from glutamine 2836.
Molecular consequence: frameshift variant. On other transcripts: intron variant (1).
Genome position (GRCh38, 1-based): chr1:197,100,744-197,100,745, TG deleted on the plus strand (CA on the coding strand, the reverse complement: ASPM is on the minus strand); deleting any 2 consecutive bases within chr1:197,100,744-197,100,748 gives the same sequence; the c. name uses the placement nearest the transcript's 3' end. VCF-style (leftmost placement, unchanged base first): chr1-197100743-CTG-C. GRCh37 (hg19) VCF-style: chr1-197069873-CTG-C.
Other names: c.4066-4581_4066-4580del (NM_001206846.2); short protein forms Q2836fs.
Identifiers: ClinVar variation 157894 (VCV000157894.50), dbSNP rs587783280, ClinGen allele CA271126.